The following is an entry in ClinVar:

ClinVar aggregate classification (germline): Uncertain significance (1 of 4 stars; one submission).

Submission:

GeneDx
Classification: Uncertain significance. Last evaluated: 2023-01-04. Review status: criteria provided, single submitter. Criteria: GeneDx Variant Classification Process June 2021. Collection method: clinical testing. Allele origin: germline. Affected: yes.
Comment: Not observed at significant frequency in large population cohorts (gnomAD); In silico analysis supports that this missense variant has a deleterious effect on protein structure/function; Has not been previously published as pathogenic or benign to our knowledge; In silico analysis is inconclusive as to whether the variant alters gene splicing. In the absence of RNA/functional studies, the actual effect of this sequence change is unknown.

NM_001042492.3(NF1):c.902A>T (p.Asp301Val)

Gene: NF1 (neurofibromin 1; plus strand). Cytogenetic location: 17q11.2.
Variant type: single nucleotide variant.
Coding change: c.902A>T on transcript NM_001042492.3 (MANE Select); coding-DNA position 902, A replaced by T.
Protein change: p.Asp301Val; replaces aspartic acid 301 with valine.
Molecular consequence: missense variant.
Genome position (GRCh38, 1-based): chr17:31,200,435, A>T. VCF-style: chr17-31200435-A-T. GRCh37 (hg19) VCF-style: chr17-29527453-A-T.
Other names: c.902A>T, p.Asp301Val (NM_000267.4, NM_001128147.3); short protein forms D301V.
Identifiers: ClinVar variation 2571834 (VCV002571834.1), dbSNP rs2143872122, ClinGen allele CA398995536.
Genomic context (GRCh38, chr17:31,200,435, plus strand): 5'-AGAAGAAACTTCATATATTATCTTATCGCTATATTTGAATTCTGTAGAAGTTATTTCTGG[A>T]CAGTCTACGAAAAGCTCTTGCTGGCCATGGAGGAAGTAGGCAGCTGACAGAAAGTGCTGC-3'
Protein context (NP_001035957.1, residues 291-311): ENNMNKKLFL[Asp301Val]SLRKALAGHG